The following is an entry in ClinVar:

ClinVar aggregate classification (germline): Uncertain significance (1 of 4 stars; one submission).

Conditions:
Birt-Hogg-Dube syndrome. Also called: Birt Hogg Dubé syndrome. Identifiers: Orphanet 122, MedGen C0346010, MONDO:0800444.

Submission:

Labcorp Genetics (formerly Invitae), Labcorp
Classification: Uncertain significance for Birt-Hogg-Dube syndrome. Last evaluated: 2020-06-15. Review status: criteria provided, single submitter. Criteria: Invitae Variant Classification Sherloc (09022015). Collection method: clinical testing. Allele origin: germline.
Comment: This variant is not present in population databases (ExAC no frequency). This sequence change replaces alanine with aspartic acid at codon 412 of the FLCN protein (p.Ala412Asp). The alanine residue is highly conserved and there is a moderate physicochemical difference between alanine and aspartic acid. This variant has not been reported in the literature in individuals with FLCN-related conditions. In summary, the available evidence is currently insufficient to determine the role of this variant in disease. Therefore, it has been classified as a Variant of Uncertain Significance. Algorithms developed to predict the effect of missense changes on protein structure and function (SIFT, PolyPhen-2, Align-GVGD) all suggest that this variant is likely to be tolerated, but these predictions have not been confirmed by published functional studies and their clinical significance is uncertain.

NM_144997.7(FLCN):c.1235C>A (p.Ala412Asp)

Gene: FLCN (folliculin; minus strand). Cytogenetic location: 17p11.2.
Variant type: single nucleotide variant.
Coding change: c.1235C>A on transcript NM_144997.7 (MANE Select); coding-DNA position 1235, C replaced by A.
Protein change: p.Ala412Asp; replaces alanine 412 with aspartic acid.
Molecular consequence: missense variant.
Genome position (GRCh38, 1-based): chr17:17,216,445, G>T on the plus strand (C>A on the coding strand, the complement: FLCN is on the minus strand). VCF-style: chr17-17216445-G-T. GRCh37 (hg19) VCF-style: chr17-17119759-G-T.
Other names: c.1289C>A, p.Ala430Asp (NM_001353229.2); c.1235C>A, p.Ala412Asp (NM_001353230.2, NM_001353231.2); short protein forms A412D, A430D.
Identifiers: ClinVar variation 1008712 (VCV001008712.5), dbSNP rs2046925178, ClinGen allele CA398531803.